The following is an entry in ClinVar:

ClinVar aggregate classification (germline): Uncertain significance (1 of 4 stars; one submission).

Conditions:
Hereditary cancer-predisposing syndrome. Also called: Neoplastic Syndromes, Hereditary; Tumor predisposition; Hereditary Cancer Syndrome; Hereditary neoplastic syndrome. Identifiers: Orphanet 140162, MedGen C0027672, MeSH D009386, MONDO:0015356.

Submission:

Ambry Genetics
Classification: Uncertain significance for Hereditary cancer-predisposing syndrome. Last evaluated: 2020-09-24. Review status: criteria provided, single submitter. Criteria: Ambry Variant Classification Scheme 2023. Collection method: clinical testing. Allele origin: germline.
Comment: The p.S250F variant (also known as c.749C>T), located in coding exon 7 of the PMS2 gene, results from a C to T substitution at nucleotide position 749. The serine at codon 250 is replaced by phenylalanine, an amino acid with highly dissimilar properties. This amino acid position is not well conserved in available vertebrate species. In addition, the in silico prediction for this alteration is inconclusive. Since supporting evidence is limited at this time, the clinical significance of this alteration remains unclear.

NM_000535.7(PMS2):c.749C>T (p.Ser250Phe)

Gene: PMS2 (PMS1 homolog 2, mismatch repair system component; minus strand). Cytogenetic location: 7p22.1.
Variant type: single nucleotide variant.
Coding change: c.749C>T on transcript NM_000535.7 (MANE Select); coding-DNA position 749, C replaced by T.
Protein change: p.Ser250Phe; replaces serine 250 with phenylalanine.
Molecular consequence: missense variant. On other transcripts: 5 prime UTR variant (2), non-coding transcript variant (1).
Genome position (GRCh38, 1-based): chr7:5,997,380, G>A on the plus strand (C>T on the coding strand, the complement: PMS2 is on the minus strand). VCF-style: chr7-5997380-G-A. GRCh37 (hg19) VCF-style: chr7-6037011-G-A.
Other names: c.344C>T, p.Ser115Phe (NM_001018040.1, NM_001322003.2, NM_001322004.2 and 20 more transcripts); c.749C>T, p.Ser250Phe (NM_001322006.2, NM_001322014.2, NM_001406870.1 and 3 more transcripts); c.431C>T, p.Ser144Phe (NM_001322007.2, NM_001322008.2, NM_001406876.1 and 4 more transcripts); c.-185C>T (NM_001322011.2, NM_001322012.2); c.176C>T, p.Ser59Phe (NM_001322013.2, NM_001406909.1); c.440C>T, p.Ser147Phe (NM_001322015.2, NM_001406875.1, NM_001406877.1 and 6 more transcripts); c.935C>T, p.Ser312Phe (NM_001406866.1); c.773C>T, p.Ser258Phe (NM_001406868.1); and 4 more; short protein forms S115F, S214F, S79F, S144F, S194F, S312F, S59F, S147F.
Identifiers: ClinVar variation 1759189 (VCV001759189.2), dbSNP rs2128787602, ClinGen allele CA366743711.